The following is an entry in ClinVar:

ClinVar aggregate classification (germline): Uncertain significance. Review status: criteria provided, multiple submitters, no conflicts (2 of 4 stars). 2 submissions from 2 submitters: Uncertain significance (2). Last evaluated 2024-03-05.

Conditions:
RYR1-related disorder. Also called: RYR1-related disorders; RYR1-related condition. Identifiers: MedGen CN239331.
Malignant hyperthermia, susceptibility to, 1 (MHS1). Also called: Malignant hyperthermia suceptibility 1; Anesthesia related hyperthermia; Malignant hyperpyrexia; Fulminating hyperpyrexia; Pharmacogenic myopathy; RYR1-Related Malignant Hyperthermia Susceptibility. Identifiers: Orphanet 423, MedGen C2930980, MONDO:0007783, OMIM 145600.

Submissions (2):

All of Us Research Program, National Institutes of Health
Classification: Uncertain significance for Malignant hyperthermia, susceptibility to, 1. Last evaluated: 2024-03-05. Review status: criteria provided, single submitter. Criteria: ACMG Guidelines, 2015. Collection method: clinical testing. Allele origin: germline. Inheritance: Autosomal dominant inheritance. Observed: 1 variant allele, 1 heterozygote.
Comment: This study involves interpretation of variants in research participants for the purpose of population health screening. Participant phenotype was not available at the time of variant classification. Additional details can be found in publication PMID: 35346344, PMCID: PMC8962531

Labcorp Genetics (formerly Invitae), Labcorp
Classification: Uncertain significance for RYR1-related disorder. Last evaluated: 2022-10-13. Review status: criteria provided, single submitter. Criteria: Invitae Variant Classification Sherloc (09022015). Collection method: clinical testing. Allele origin: germline.
Comment: This variant, c.5625_5648del, results in the deletion of 8 amino acid(s) of the RYR1 protein (p.Glu1876_Glu1883del), but otherwise preserves the integrity of the reading frame. This variant is not present in population databases (gnomAD no frequency). This variant has not been reported in the literature in individuals affected with RYR1-related conditions. Experimental studies and prediction algorithms are not available or were not evaluated, and the functional significance of this variant is currently unknown. In summary, the available evidence is currently insufficient to determine the role of this variant in disease. Therefore, it has been classified as a Variant of Uncertain Significance.

NM_000540.3(RYR1):c.5625_5648del (p.Glu1876_Glu1883del)

Gene: RYR1 (ryanodine receptor 1; plus strand). Cytogenetic location: 19q13.2.
Variant type: Deletion.
Coding change: c.5625_5648del on transcript NM_000540.3 (MANE Select); coding-DNA positions 5625 to 5648, 24 bases deleted (AGAGGAGGAGGACGAGGAGGAAGA).
Protein change: p.Glu1876_Glu1883del.
Molecular consequence: inframe deletion.
Genome position (GRCh38, 1-based): chr19:38,489,254-38,489,277, AGAGGAGGAGGACGAGGAGGAAGA deleted; deleting any 24 consecutive bases within chr19:38,489,246-38,489,277 gives the same sequence; the c. name uses the placement nearest the transcript's 3' end. VCF-style (leftmost placement, unchanged base first): chr19-38489245-TGAGGAAGAAGAGGAGGAGGACGAG-T. GRCh37 (hg19) VCF-style: chr19-38979885-TGAGGAAGAAGAGGAGGAGGACGAG-T.
Other names: c.5625_5648del, p.Glu1876_Glu1883del (NM_001042723.2).
Identifiers: ClinVar variation 2158739 (VCV002158739.2), dbSNP rs1969440097, ClinGen allele CA2335047884.